The following is an entry in ClinVar:

NM_080680.3(COL11A2):c.4095dup (p.Gly1366fs)

Gene: COL11A2 (collagen type XI alpha 2 chain; minus strand). Cytogenetic location: 6p21.32.
Variant type: Duplication.
Coding change: c.4095dup on transcript NM_080680.3 (MANE Select); coding-DNA position 4095, one base duplicated (T; older notation c.4095dupT).
Protein change: p.Gly1366fs; shifts the reading frame from glycine 1366.
Molecular consequence: frameshift variant.
Genome position (GRCh38, 1-based): chr6:33,167,453, A duplicated on the plus strand (T on the coding strand, the reverse complement: COL11A2 is on the minus strand). VCF-style (leftmost placement, unchanged base first): chr6-33167452-C-CA. GRCh37 (hg19) VCF-style: chr6-33135229-C-CA.
Other names: c.3915dup, p.Gly1306fs (NM_001424108.1); c.3249dup, p.Gly1084fs (NM_001424109.1); c.3069dup, p.Gly1024fs (NM_001424110.1, NM_001424111.1); c.2049dup, p.Gly684fs (NM_001424112.1); c.3774dup, p.Gly1259fs (NM_080679.3); c.3837dup, p.Gly1280fs (NM_080681.3); short protein forms G1084fs, G1280fs, G1366fs, G684fs, G1024fs, G1259fs, G1306fs.
Identifiers: ClinVar variation 3647607 (VCV003647607.2).

ClinVar aggregate classification (germline): Pathogenic (1 of 4 stars; one submission).

Submission:

Labcorp Genetics (formerly Invitae), Labcorp
Classification: Pathogenic. Last evaluated: 2024-03-25. Review status: criteria provided, single submitter. Criteria: Invitae Variant Classification Sherloc (09022015). Collection method: clinical testing. Allele origin: germline.
Comment: This sequence change creates a premature translational stop signal (p.Gly1366Trpfs*59) in the COL11A2 gene. It is expected to result in an absent or disrupted protein product. Loss-of-function variants in COL11A2 are known to be pathogenic (PMID: 10677296, 21204229). This variant is not present in population databases (gnomAD no frequency). This variant has not been reported in the literature in individuals affected with COL11A2-related conditions. For these reasons, this variant has been classified as Pathogenic.

Literature cited by the submitters: PubMed 10677296; PubMed 21204229.